The following is an entry in ClinVar:

ClinVar aggregate classification (germline): Benign/Likely benign. Review status: criteria provided, multiple submitters, no conflicts (2 of 4 stars). 3 submissions from 2 submitters: Benign (1); Likely benign (2). Last evaluated 2018-01-13.

Conditions:
Meckel syndrome, type 1 (MKS1). Also called: MECKEL-GRUBER SYNDROME, TYPE 1. Identifiers: Orphanet 564, MedGen C3714506, MONDO:0009571, OMIM 249000.
Bardet-Biedl syndrome 13 (BBS13). Identifiers: Orphanet 110, MedGen C2673873, MONDO:0014441, OMIM 615990.

Allele frequency attached by ClinVar (database versions not stated): 1000 Genomes Project 0.02716; 1000 Genomes Project 30x 0.02811; ExAC 0.03399; gnomAD exomes 0.04345; TOPMed 0.04886.
gnomAD v4.1: 75,943 of 1,306,094 alleles (5.8%); highest among the groups gnomAD compares: Middle Eastern, 11%; 2,450 homozygotes.

Submissions (3):

Illumina Laboratory Services, Illumina
Classification: Benign for Bardet-Biedl syndrome 13. Last evaluated: 2018-01-13. Review status: criteria provided, single submitter. Criteria: ICSL Variant Classification Criteria 13 December 2019. Collection method: clinical testing. Allele origin: germline.
Comment: This variant was observed in the ICSL laboratory as part of a predisposition screen in an ostensibly healthy population. It had not been previously curated by ICSL or reported in the Human Gene Mutation Database (HGMD: prior to June 1st, 2018), and was therefore a candidate for classification through an automated scoring system. Utilizing variant allele frequency, disease prevalence and penetrance estimates, and inheritance mode, an automated score was calculated to assess if this variant is too frequent to cause the disease. Based on the score and internal cut-off values, a variant classified as benign is not then subjected to further curation. The score for this variant resulted in a classification of benign for this disease.

Illumina Laboratory Services, Illumina
Classification: Likely benign for Meckel syndrome, type 1. Last evaluated: 2018-01-13. Review status: criteria provided, single submitter. Criteria: ICSL Variant Classification Criteria 13 December 2019. Collection method: clinical testing. Allele origin: germline.
Comment: This variant was observed in the ICSL laboratory as part of a predisposition screen in an ostensibly healthy population. It had not been previously curated by ICSL or reported in the Human Gene Mutation Database (HGMD: prior to June 1st, 2018), and was therefore a candidate for classification through an automated scoring system. Utilizing variant allele frequency, disease prevalence and penetrance estimates, and inheritance mode, an automated score was calculated to assess if this variant is too frequent to cause the disease. Based on the score and internal cut-off values, a variant classified as likely benign is not then subjected to further curation. The score for this variant resulted in a classification of likely benign for this disease.

Breakthrough Genomics
Classification: Likely benign. Review status: criteria provided, single submitter. Criteria: ACMG Guidelines, 2015. Collection method: not provided. Allele origin: germline. Inheritance: Autosomal recessive inheritance. Affected: yes.

NM_017777.4(MKS1):c.*472C>G

Gene: MKS1 (MKS transition zone complex subunit 1; minus strand). Cytogenetic location: 17q22.
Variant type: single nucleotide variant.
Coding change: c.*472C>G on transcript NM_017777.4 (MANE Select); 472 bases downstream of the stop codon, C replaced by G.
Molecular consequence: 3 prime UTR variant.
Genome position (GRCh38, 1-based): chr17:58,205,607, G>C on the plus strand (C>G on the coding strand, the complement: MKS1 is on the minus strand). VCF-style: chr17-58205607-G-C. GRCh37 (hg19) VCF-style: chr17-56282968-G-C.
Other names: c.*472C>G (NM_001321268.2); c.*383C>G (NM_001321269.2); c.*564C>G (NM_001330397.2).
Identifiers: ClinVar variation 892306 (VCV000892306.5), dbSNP rs17174788, ClinGen allele CA8669029.
Genomic context (GRCh38, chr17:58,205,607, plus strand): 5'-GCCTTCACTTACTCAGAAATAACTCATATCTCAACCTCAGCAAGCCCCAAGCAGTAGAAT[G>C]AGGCTTCCCTGGAAAGAGGCTGAGACTCACAGGCTGGGGATTTAAGACCCTCTCACCGTC-3'